The following is an entry in ClinVar:

NM_152419.3(HGSNAT):c.1242del (p.Cys415fs)

Gene: HGSNAT (heparan-alpha-glucosaminide N-acetyltransferase; plus strand). Cytogenetic location: 8p11.21.
Variant type: Deletion.
Coding change: c.1242del on transcript NM_152419.3 (MANE Select); coding-DNA position 1242, one base deleted (G; older notation c.1242delG).
Protein change: p.Cys415fs; shifts the reading frame from cysteine 415.
Molecular consequence: frameshift variant.
Genome position (GRCh38, 1-based): chr8:43,191,587, G deleted; the last of 3 consecutive G bases (chr8:43,191,585-43,191,587); deleting any one gives the same sequence. VCF-style (leftmost placement, unchanged base first): chr8-43191584-TG-T. GRCh37 (hg19) VCF-style: chr8-43046727-TG-T.
Other names: c.1242del, p.Cys415fs (NM_001363227.2); c.1050del, p.Cys351fs (NM_001363228.2); c.378del, p.Cys127fs (NM_001363229.2); short protein forms C127fs, C351fs, C415fs.
Identifiers: ClinVar variation 3754576 (VCV003754576.3).
Genomic context (GRCh38, chr8:43,191,584, plus strand): 5'-GCTGCTCATCCTGGTGCTGGAAGGCCTGTGGCTGGGCTTGACATTCCTCCTGCCAGTCCC[TG>T]GGTGCCCTACGTAAGCGAACCCCTGGGGGTCATCCCTTGTGCATGTCCTGTTCTGCCCAG-3'

ClinVar aggregate classification (germline): Pathogenic. Review status: criteria provided, multiple submitters, no conflicts (2 of 4 stars). 2 submissions from 2 submitters: Pathogenic (2). Last evaluated 2024-02-11.

Conditions:
Mucopolysaccharidosis, MPS-III-C (MPS3C). Also called: SANFILIPPO SYNDROME C; MPS III C; Mucopolysaccharidosis type IIIC (Sanfilippo C); mucopolysaccharidosis type 3C; MUCOPOLYSACCHARIDOSIS, TYPE IIIC; MPS IIIC (Sanfilippo Syndrome Type C). Identifiers: Orphanet 581, Orphanet 79271, MedGen C0086649, MONDO:0009657, OMIM 252930.
Retinitis pigmentosa 73 (RP73). Identifiers: Orphanet 791, MedGen C4225287, MONDO:0014687, OMIM 616544.

Submissions (2):

Labcorp Genetics (formerly Invitae), Labcorp
Classification: Pathogenic for Retinitis pigmentosa 73; Mucopolysaccharidosis, MPS-III-C. Last evaluated: 2024-02-11. Review status: criteria provided, single submitter. Criteria: Invitae Variant Classification Sherloc (09022015). Collection method: clinical testing. Allele origin: germline.
Comment: This sequence change creates a premature translational stop signal (p.Cys415Alafs*67) in the HGSNAT gene. It is expected to result in an absent or disrupted protein product. Loss-of-function variants in HGSNAT are known to be pathogenic (PMID: 17033958, 19479962). This variant is not present in population databases (gnomAD no frequency). This variant has not been reported in the literature in individuals affected with HGSNAT-related conditions. For these reasons, this variant has been classified as Pathogenic.

Myriad Genetics, Inc.
Classification: Pathogenic for Mucopolysaccharidosis, MPS-III-C. Last evaluated: 2024-01-08. Review status: criteria provided, single submitter. Criteria: Myriad Autosomal Dominant, Autosomal Recessive and X-Linked Classification Criteria (2023). Collection method: clinical testing. Allele origin: unknown.
Comment: NM_152419.2(HGSNAT):c.1242delG(C415Afs*67) is expected to be pathogenic in the context of mucopolysaccharidosis type IIIC. This variant is predicted to lead to an abnormal or absent protein product due to the creation of a premature termination codon in HGSNAT, a gene where loss-of-function variants are known to be pathogenic. Please note: this variant was assessed in the context of healthy population screening.

Literature cited by the submitters: PubMed 17033958 (cited by Labcorp Genetics (formerly Invitae), Labcorp); PubMed 19479962 (cited by Labcorp Genetics (formerly Invitae), Labcorp).